The following is an entry in ClinVar:

NM_002863.5(PYGL):c.41T>A (p.Ile14Asn)

Gene: PYGL (glycogen phosphorylase L; minus strand). Cytogenetic location: 14q22.1.
Variant type: single nucleotide variant.
Coding change: c.41T>A on transcript NM_002863.5 (MANE Select); coding-DNA position 41, T replaced by A.
Protein change: p.Ile14Asn; replaces isoleucine 14 with asparagine.
Molecular consequence: missense variant.
Genome position (GRCh38, 1-based): chr14:50,944,363, A>T on the plus strand (T>A on the coding strand, the complement: PYGL is on the minus strand). VCF-style: chr14-50944363-A-T. GRCh37 (hg19) VCF-style: chr14-51411081-A-T.
Other names: c.41T>A, p.Ile14Asn (NM_001163940.2); short protein forms I14N.
Identifiers: ClinVar variation 581646 (VCV000581646.8), dbSNP rs1566518078, ClinGen allele CA389699729.

ClinVar aggregate classification (germline): Uncertain significance (1 of 4 stars; one submission).

Conditions:
Glycogen storage disease, type VI (GSD6). Also called: Glycogen storage disease type 6; Hepatic glycogen phosphorylase deficiency; HERS DISEASE; PHOSPHORYLASE DEFICIENCY GLYCOGEN-STORAGE DISEASE OF LIVER; Glycogen storage disease type 6, due to phosphorylation; GSD VI. Identifiers: Orphanet 369, MedGen C0017925, MONDO:0009294, OMIM 232700.

Submission:

Labcorp Genetics (formerly Invitae), Labcorp
Classification: Uncertain significance for Glycogen storage disease, type VI. Last evaluated: 2024-11-25. Review status: criteria provided, single submitter. Criteria: Invitae Variant Classification Sherloc (09022015). Collection method: clinical testing. Allele origin: germline.
Comment: This sequence change replaces isoleucine, which is neutral and non-polar, with asparagine, which is neutral and polar, at codon 14 of the PYGL protein (p.Ile14Asn). This variant is not present in population databases (gnomAD no frequency). This variant has not been reported in the literature in individuals affected with PYGL-related conditions. ClinVar contains an entry for this variant (Variation ID: 581646). Invitae Evidence Modeling of protein sequence and biophysical properties (such as structural, functional, and spatial information, amino acid conservation, physicochemical variation, residue mobility, and thermodynamic stability) indicates that this missense variant is not expected to disrupt PYGL protein function with a negative predictive value of 95%. In summary, the available evidence is currently insufficient to determine the role of this variant in disease. Therefore, it has been classified as a Variant of Uncertain Significance.